The following is an entry in ClinVar:

ClinVar aggregate classification (germline): Likely benign. Review status: criteria provided, multiple submitters, no conflicts (2 of 4 stars). 5 submissions from 5 submitters: Likely benign (4). 1 of the submissions does not count toward it. Last evaluated 2024-09-19.

Conditions:
Inborn genetic diseases. Identifiers: MedGen C0950123, MeSH D030342.
Charcot-Marie-Tooth disease. Also called: Charcot-Marie-Tooth Neuropathy; Charcot-Marie-Tooth Hereditary Neuropathy. Identifiers: Orphanet 166, MedGen C0007959, MONDO:0015626.
Charcot-Marie-Tooth disease type 4. Also called: Charcot-Marie-Tooth disease, type IV; Charcot-Marie-Tooth, Type 4. Identifiers: Orphanet 64749, MedGen C4082197, MONDO:0018995.
PRX-related disorder. Also called: PRX-related condition; PRX-Related Disorders.

Allele frequency attached by ClinVar (database versions not stated): ExAC 0.00001; gnomAD 0.00001 and 0.00003; gnomAD exomes 0.00001.

Submissions (5):

Labcorp Genetics (formerly Invitae), Labcorp
Classification: Likely benign for Charcot-Marie-Tooth disease type 4. Last evaluated: 2024-09-19. Review status: criteria provided, single submitter. Criteria: Invitae Variant Classification Sherloc (09022015). Collection method: clinical testing. Allele origin: germline.

Ambry Genetics
Classification: Likely benign for Inborn genetic diseases. Last evaluated: 2019-07-11. Review status: criteria provided, single submitter. Criteria: Ambry Variant Classification Scheme 2023. Collection method: clinical testing. Allele origin: germline.

GeneDx
Classification: Likely benign. Last evaluated: 2017-03-20. Review status: criteria provided, single submitter. Criteria: GeneDx Variant Classification (06012015). Collection method: clinical testing. Allele origin: germline. Affected: yes.
Comment: This variant is considered likely benign or benign based on one or more of the following criteria: it is a conservative change, it occurs at a poorly conserved position in the protein, it is predicted to be benign by multiple in silico algorithms, and/or has population frequency not consistent with disease.

Molecular Genetics Laboratory, London Health Sciences Centre
Classification: Likely benign for Charcot-Marie-Tooth disease. Review status: criteria provided, single submitter. Criteria: ACMG Guidelines, 2015. Collection method: clinical testing. Allele origin: germline. Affected: yes.

PreventionGenetics, part of Exact Sciences
Classification: Likely benign for PRX-related condition. Last evaluated: 2019-03-27. Review status: no assertion criteria provided. Collection method: clinical testing. Allele origin: germline. Not counted in ClinVar's aggregate classification.
Comment: This variant is classified as likely benign based on ACMG/AMP sequence variant interpretation guidelines (Richards et al. 2015 PMID: 25741868, with internal and published modifications).

NM_181882.3(PRX):c.1827C>T (p.Pro609=)

Gene: PRX (periaxin; minus strand). Cytogenetic location: 19q13.2.
Variant type: single nucleotide variant.
Coding change: c.1827C>T on transcript NM_181882.3 (MANE Select); coding-DNA position 1827, C replaced by T.
Protein change: p.Pro609=; no amino-acid change (proline 609 retained).
Molecular consequence: synonymous variant. On other transcripts: 3 prime UTR variant (1).
Genome position (GRCh38, 1-based): chr19:40,396,525, G>A on the plus strand (C>T on the coding strand, the complement: PRX is on the minus strand). VCF-style: chr19-40396525-G-A. GRCh37 (hg19) VCF-style: chr19-40902432-G-A.
Other names: c.*2032C>T (NM_020956.2).
Identifiers: ClinVar variation 508197 (VCV000508197.16), dbSNP rs751816156, ClinGen allele CA9444187.
Genomic context (GRCh38, chr19:40,396,525, plus strand): 5'-CATCTCTGGGACTTTTGGAAGCTGCACTTCTGGGAGGTGCACATCGGGCACGGCCATCTC[G>A]GGCACCTTCGGGAGTTGCACTTCAGGGAGTTTCATCTCAGGAAGTTTCATCTCAGGCACC-3'
Protein context (NP_870998.2, residues 599-619): KLPEVQLPKV[Pro609=]EMAVPDVHLP